The following is an entry in ClinVar:

ClinVar aggregate classification (germline): Uncertain significance. Review status: criteria provided, multiple submitters, no conflicts (2 of 4 stars). 2 submissions from 2 submitters: Uncertain significance (2). Last evaluated 2024-09-25.

Conditions:
Cardiovascular phenotype. Identifiers: MedGen CN230736.

gnomAD v4.1: 30 of 1,609,830 alleles (0.0019%); highest among the groups gnomAD compares: Non-Finnish European, 0.0025%; no homozygotes.

Submissions (2):

Ambry Genetics
Classification: Uncertain significance for Cardiovascular phenotype. Last evaluated: 2024-09-25. Review status: criteria provided, single submitter. Criteria: Ambry Variant Classification Scheme 2023. Collection method: clinical testing. Allele origin: germline.
Comment: The p.Q232K variant (also known as c.694C>A), located in coding exon 8 of the TRDN gene, results from a C to A substitution at nucleotide position 694. The glutamine at codon 232 is replaced by lysine, an amino acid with similar properties. This amino acid position is conserved. In addition, this alteration is predicted to be tolerated by in silico analysis. Based on the available evidence, the clinical significance of this variant remains unclear.

GeneDx
Classification: Uncertain significance. Last evaluated: 2024-03-17. Review status: criteria provided, single submitter. Criteria: GeneDx Variant Classification Process June 2021. Collection method: clinical testing. Allele origin: germline. Affected: yes.
Comment: Has not been previously published as pathogenic or benign to our knowledge; Not observed at significant frequency in large population cohorts (gnomAD); In silico analysis supports that this missense variant does not alter protein structure/function

NM_006073.4(TRDN):c.694C>A (p.Gln232Lys)

Gene: TRDN (triadin; minus strand). Cytogenetic location: 6q22.31.
Variant type: single nucleotide variant.
Coding change: c.694C>A on transcript NM_006073.4 (MANE Select); coding-DNA position 694, C replaced by A.
Protein change: p.Gln232Lys; replaces glutamine 232 with lysine.
Molecular consequence: missense variant.
Genome position (GRCh38, 1-based): chr6:123,503,818, G>T on the plus strand (C>A on the coding strand, the complement: TRDN is on the minus strand). VCF-style: chr6-123503818-G-T. GRCh37 (hg19) VCF-style: chr6-123824963-G-T.
Other names: c.694C>A, p.Gln232Lys (NM_001251987.2, NM_001256020.2, NM_001256021.2 and 1 more transcripts); c.694C>A (NM_006073.2); short protein forms Q232K.
Identifiers: ClinVar variation 3371024 (VCV003371024.2).